The following is an entry in ClinVar:

ClinVar aggregate classification (germline): Benign/Likely benign. Review status: criteria provided, multiple submitters, no conflicts (2 of 4 stars). 5 submissions from 5 submitters: Benign (1); Likely benign (4). Last evaluated 2026-05-21.

Conditions:
Hereditary cancer-predisposing syndrome. Also called: Tumor predisposition; Hereditary neoplastic syndrome; Neoplastic Syndromes, Hereditary; Hereditary Cancer Syndrome. Identifiers: Orphanet 140162, MedGen C0027672, MeSH D009386, MONDO:0015356.
Neurofibromatosis, type 1 (NF1). Also called: Neurofibromatosis, type I; NEUROFIBROMATOSIS, TYPE I, SOMATIC; VON RECKLINGHAUSEN DISEASE; Peripheral type neurofibromatosis. Identifiers: Orphanet 636, MedGen C0027831, MONDO:0018975, OMIM 162200. Disease mechanism: loss of function.

Allele frequency attached by ClinVar (database versions not stated): gnomAD exomes below 0.00001; gnomAD 0.00001; ESP Exome Variant Server 0.00008; TOPMed 0.00003.
gnomAD v4.1: 4 of 1,614,006 alleles (0.00025%); highest among the groups gnomAD compares: African/African-American, 0.004%; no homozygotes.

Submissions (5):

Myriad Genetics, Inc.
Classification: Benign for Neurofibromatosis, type 1. Last evaluated: 2026-05-21. Review status: criteria provided, single submitter. Criteria: Myriad Autosomal Dominant, Autosomal Recessive and X-Linked Classification Criteria (2023). Collection method: clinical testing. Allele origin: unknown.
Comment: This variant is considered benign. This variant is a silent/synonymous amino acid change and it is not expected to impact splicing.

Labcorp Genetics (formerly Invitae), Labcorp
Classification: Likely benign for Neurofibromatosis, type 1. Last evaluated: 2025-11-10. Review status: criteria provided, single submitter. Criteria: Invitae Variant Classification Sherloc (09022015). Collection method: clinical testing. Allele origin: germline.

Women's Health and Genetics/Laboratory Corporation of America, LabCorp
Classification: Likely benign. Last evaluated: 2022-04-11. Review status: criteria provided, single submitter. Criteria: LabCorp Variant Classification Summary - May 2015. Collection method: clinical testing. Allele origin: germline.

Genome-Nilou Lab
Classification: Likely benign for Neurofibromatosis, type 1. Last evaluated: 2022-03-15. Review status: criteria provided, single submitter. Criteria: ACMG Guidelines, 2015. Collection method: clinical testing. Allele origin: germline. Affected: no.

Ambry Genetics
Classification: Likely benign for Hereditary cancer-predisposing syndrome. Last evaluated: 2014-06-17. Review status: criteria provided, single submitter. Criteria: Ambry Autosomal Dominant and X-Linked criteria (10/2015). Collection method: clinical testing. Allele origin: germline. Observed: 1 variant allele.

NM_001042492.3(NF1):c.6552C>T (p.Asp2184=)

Gene: NF1 (neurofibromin 1; plus strand). Cytogenetic location: 17q11.2.
Variant type: single nucleotide variant.
Coding change: c.6552C>T on transcript NM_001042492.3 (MANE Select); coding-DNA position 6552, C replaced by T.
Protein change: p.Asp2184=; no amino-acid change (aspartic acid 2184 retained).
Molecular consequence: synonymous variant.
Genome position (GRCh38, 1-based): chr17:31,337,492, C>T. VCF-style: chr17-31337492-C-T. GRCh37 (hg19) VCF-style: chr17-29664510-C-T.
Other names: c.6489C>T, p.Asp2163= (NM_000267.4).
Identifiers: ClinVar variation 185148 (VCV000185148.15), dbSNP rs376808264, ClinGen allele CA191154.